The following is an entry in ClinVar:

ClinVar aggregate classification (germline): Uncertain significance. Review status: criteria provided, multiple submitters, no conflicts (2 of 4 stars). 2 submissions from 2 submitters: Uncertain significance (2). Last evaluated 2023-01-17.

Conditions:
Dyskeratosis congenita, autosomal dominant 1 (DKCA1). Also called: Dyskeratosis congenita Scoggins type. Identifiers: Orphanet 1775, MedGen C4551974, MONDO:0007485, OMIM 127550. Inheritance: Variable.

Submissions (2):

Labcorp Genetics (formerly Invitae), Labcorp
Classification: Uncertain significance for Dyskeratosis congenita, autosomal dominant 1. Last evaluated: 2023-01-17. Review status: criteria provided, single submitter. Criteria: Invitae Variant Classification Sherloc (09022015). Collection method: clinical testing. Allele origin: germline.
Comment: In summary, the available evidence is currently insufficient to determine the role of this variant in disease. Therefore, it has been classified as a Variant of Uncertain Significance. This variant is located in a region of TERC in which a significant number of disease causing variants have been reported (PMID: 15082312, 21844345, 21931702). These observations suggest that this may be a clinically significant region. This variant is located within the template/pseudoknot domain of the TERC RNA component, which is required for RNA or RNP stability (PMID: 15082312, 21844345). This variant has not been reported in the literature in individuals affected with TERC-related conditions. This variant is not present in population databases (gnomAD no frequency). This variant occurs in the TERC gene, which encodes an RNA molecule that does not result in a protein product.

Mayo Clinic Laboratories, Mayo Clinic
Classification: Uncertain significance. Last evaluated: 2022-03-17. Review status: criteria provided, single submitter. Criteria: ACMG Guidelines, 2015. Collection method: clinical testing. Allele origin: germline. Observed: 1 variant allele.
Comment: PM2_supporting

Literature cited by the submitters: PubMed 15082312 (cited by Labcorp Genetics (formerly Invitae), Labcorp); PubMed 21844345 (cited by Labcorp Genetics (formerly Invitae), Labcorp); PubMed 21931702 (cited by Labcorp Genetics (formerly Invitae), Labcorp).

NR_001566.3(TERC):n.61A>G

Genes: TERC (telomerase RNA component; minus strand), LOC110806306 (telomerase RNA component (TERC) promoter; plus strand). Cytogenetic location: 3q26.2.
Variant type: single nucleotide variant.
Genome position: GRCh38 VCF-style: chr3-169765000-T-C. GRCh37 (hg19) VCF-style: chr3-169482788-T-C.
Identifiers: ClinVar variation 2683780 (VCV002683780.4), dbSNP rs2474262579, ClinGen allele CA436715921.